The following is an entry in ClinVar:

NM_007254.4(PNKP):c.1317_1321dup (p.Ala441fs)

Gene: PNKP (polynucleotide kinase 3'-phosphatase; minus strand). Cytogenetic location: 19q13.33.
Variant type: Duplication.
Coding change: c.1317_1321dup on transcript NM_007254.4 (MANE Select); coding-DNA positions 1317 to 1321, 5 bases duplicated (AGCCG; older notation c.1317_1321dupAGCCG).
Protein change: p.Ala441fs; shifts the reading frame from alanine 441.
Molecular consequence: frameshift variant.
Genome position (GRCh38, 1-based): chr19:49,861,673-49,861,677, CGGCT duplicated on the plus strand (AGCCG on the coding strand, the reverse complement: PNKP is on the minus strand); duplicating any 5 consecutive bases within chr19:49,861,673-49,861,680 gives the same sequence; the c. name uses the placement nearest the transcript's 3' end. VCF-style (leftmost placement, unchanged base first): chr19-49861672-G-GCGGCT. GRCh37 (hg19) VCF-style: chr19-50364929-G-GCGGCT.
Other names: c.1317_1321dupAGCCG (NM_007254.3); short protein forms A441fs.
Identifiers: ClinVar variation 206429 (VCV000206429.18), dbSNP rs796052862, ClinGen allele CA251238.
Genomic context (GRCh38, chr19:49,861,672, plus strand): 5'-TTGTTGTGGCGCGCCTGCTCCAGAGTGGCGGTGAAGAGGAAGCAGCGGCAGGGGACGCCC[G>GCGGCT]CGGCTCGGGCACACTGGACGTACCTGTGGGGGAAGGAGCTGGATGTGCAGGCCCCGCCCA-3'

ClinVar aggregate classification (germline): Pathogenic/Likely pathogenic. Review status: criteria provided, multiple submitters, no conflicts (2 of 4 stars). 5 submissions from 5 submitters: Pathogenic (4); Likely pathogenic (1). Last evaluated 2025-09-16.

Conditions:
Developmental and epileptic encephalopathy, 12 (DEE12). Identifiers: MedGen C3150988, MONDO:0013389, OMIM 613722.
Inborn genetic diseases. Identifiers: MedGen C0950123, MeSH D030342.
Charcot-Marie-Tooth disease type 2B2 (CMT2B2). Also called: CHARCOT-MARIE-TOOTH DISEASE, NEURONAL, TYPE 2B2; CHARCOT-MARIE-TOOTH DISEASE, AXONAL, TYPE 2B2; Charcot-Marie-Tooth Neuropathy Type 2B2; CHARCOT-MARIE-TOOTH DISEASE, AXONAL, AUTOSOMAL RECESSIVE, TYPE 2B2. Identifiers: Orphanet 101101, MedGen C1854150, MONDO:0011570, OMIM 605589.

Submissions (5):

Labcorp Genetics (formerly Invitae), Labcorp
Classification: Pathogenic for Developmental and epileptic encephalopathy, 12. Last evaluated: 2025-09-16. Review status: criteria provided, single submitter. Criteria: Invitae Variant Classification Sherloc (09022015). Collection method: clinical testing. Allele origin: germline.
Comment: This sequence change creates a premature translational stop signal (p.Ala441Glufs*28) in the PNKP gene. It is expected to result in an absent or disrupted protein product. Loss-of-function variants in PNKP are known to be pathogenic (PMID: 20118933, 25728773). This variant is present in population databases (rs796052862, gnomAD 0.002%). This premature translational stop signal has been observed in individual(s) with epilepsy and/or a neurodevelopmental disease (PMID: 29655203). ClinVar contains an entry for this variant (Variation ID: 206429). For these reasons, this variant has been classified as Pathogenic.

Ambry Genetics
Classification: Pathogenic for Inborn genetic diseases. Last evaluated: 2023-03-22. Review status: criteria provided, single submitter. Criteria: Ambry Variant Classification Scheme 2023. Collection method: clinical testing. Allele origin: germline.
Comment: The c.1317_1321dupAGCCG (p.A441Efs*28) alteration, located in exon 15 (coding exon 14) of the PNKP gene, consists of a duplication of AGCCG at position 1317, causing a translational frameshift with a predicted alternate stop codon after 28 amino acids. This alteration occurs at the 3' terminus of the PNKP gene, is not expected to trigger nonsense-mediated mRNA decay, and impacts the last 15% of the protein. Premature stop codons are typically deleterious in nature, the impacted region is critical for protein function, and a significant portion of the protein is affected (Ambry internal data). This allele was reported in one heterozygous individual in population-based cohorts in the Genome Aggregation Database (gnomAD). This alteration was detected in conjunction with another variant in PNKP in an individual with clinical features of PNKP-related neurodevelopmental disorder (Bras, 2015). Based on internal structural analysis, p.A441Efs*28 is deleterious. This variant is destabilizing to the local structure and disrupts a significant portion of a domain (Jilani, 1999; Karimi-Busheri, 1999; Koch, 2004; Mani, 2010; Aceytuno, 2017). Based on the available evidence, this alteration is classified as pathogenic.

Greenwood Genetic Center Diagnostic Laboratories, Greenwood Genetic Center
Classification: Likely pathogenic for Charcot-Marie-Tooth disease type 2B2. Last evaluated: 2021-04-12. Review status: criteria provided, single submitter. Criteria: ACMG Guidelines, 2015. Collection method: clinical testing. Allele origin: germline. Affected: yes.
Comment: PVS1, PM2

GeneDx
Classification: Pathogenic. Last evaluated: 2016-09-30. Review status: criteria provided, single submitter. Criteria: GeneDx Variant Classification (06012015). Collection method: clinical testing. Allele origin: germline. Affected: yes.
Comment: The c.1317_1321dupAGCCG mutation in the PNKP gene causes a frameshift starting with codon Alanine 441, changes this amino acid to a Glutamic acid residue and creates a premature Stop codon at position 28 of the new reading frame, denoted p.Ala441GlufsX28. This mutation is predicted to cause loss of normal protein function through protein truncation, as the last 81 amino acids of the PNKP protein are lost and replaced with 27 incorrect amino acids. Although this mutation has not been previously reported to our knowledge, it is considered a disease-causing mutation.

Eurofins Ntd Llc (ga)
Classification: Pathogenic. Last evaluated: 2014-11-18. Review status: criteria provided, single submitter. Criteria: EGL Classification Definitions. Collection method: clinical testing. Allele origin: germline. Observed: 1 variant allele, 1 heterozygote.

Literature cited by the submitters: PubMed 20118933 (cited by Labcorp Genetics (formerly Invitae), Labcorp); PubMed 25728773 (cited by Labcorp Genetics (formerly Invitae), Labcorp and Ambry Genetics); PubMed 29655203 (cited by Labcorp Genetics (formerly Invitae), Labcorp); PubMed 10446192 (cited by Ambry Genetics); PubMed 10446193 (cited by Ambry Genetics); PubMed 15385968 (cited by Ambry Genetics); PubMed 20852255 (cited by Ambry Genetics); PubMed 28453785 (cited by Ambry Genetics).